The following is an entry in ClinVar:

NM_002911.4(UPF1):c.949_951del (p.Asp317del)

Gene: UPF1 (UPF1 RNA helicase and ATPase; plus strand). Cytogenetic location: 19p13.11.
Variant type: Deletion.
Coding change: c.949_951del on transcript NM_002911.4 (MANE Select); coding-DNA positions 949 to 951, 3 bases deleted (GAC; older notation c.949_951delGAC).
Protein change: p.Asp317del; deletes aspartic acid 317.
Molecular consequence: inframe deletion.
Genome position (GRCh38, 1-based): chr19:18,852,273-18,852,275, GAC deleted; deleting any 3 consecutive bases within chr19:18,852,271-18,852,275 gives the same sequence; the c. name uses the placement nearest the transcript's 3' end. VCF-style (leftmost placement, unchanged base first): chr19-18852270-TACG-T. GRCh37 (hg19) VCF-style: chr19-18963079-TACG-T.
Other names: c.949_951del, p.Asp317del (NM_001297549.2); short protein forms D317del.
Identifiers: ClinVar variation 3341109 (VCV003341109.2).

ClinVar aggregate classification (germline): Pathogenic (1 of 4 stars; one submission).

Conditions:
Global developmental delay (DD). Also called: Cognitive delay. Identifiers: MedGen C0557874, HP:0001263. Disease mechanism: loss of function.
Hypertelorism. Identifiers: MedGen C0020534, OMIM 145400, HP:0000316.
Frontal bossing. Identifiers: MedGen C0221354, HP:0002007.
High anterior hairline. Identifiers: MedGen C3276036, HP:0009890.
Thin upper lip vermilion. Identifiers: MedGen C1865017, HP:0000219.

Submission:

Center for Medical Genetics, Keio University School of Medicine
Classification: Pathogenic for Frontal bossing; Hypertelorism; High anterior hairline; Thin upper lip vermilion; Global developmental delay. Last evaluated: 2022-08-01. Review status: criteria provided, single submitter. Criteria: ACMG Guidelines, 2015. Collection method: research. Allele origin: de novo. Inheritance: Autosomal dominant inheritance. Affected: yes. Observed: 1 heterozygote.
Comment: This amino acid deletion was within the stalk region between cysteine/histidine-rich zinc-binding domain and 1B domain. Amino acid sequences at and around the deletion was highly conserved. Provean score for this amino acid deletion was -15.1 and was considered as highly deleterious. This variant has never been reported in the global population database gnomAD or in the Japanese population database jMorp. In Drosophila, expression of the Drosophila homolog of the human UPF1 gene, Asp294del, was found to be embryonic or early larval lethal. This variant was classified as "pathogenic" (PS2 + PS3 + PM2) according to the ACMG/AMP guidelines (Richards et al., 2015).